The following is an entry in ClinVar:

ClinVar aggregate classification (germline): Uncertain significance. Review status: criteria provided, multiple submitters, no conflicts (2 of 4 stars). 2 submissions from 2 submitters: Uncertain significance (2). Last evaluated 2025-01-10.

Allele frequency attached by ClinVar (database versions not stated): TOPMed below 0.00001.
gnomAD v4.1: 3 of 1,613,444 alleles (0.00019%); highest among the groups gnomAD compares: Non-Finnish European, 0.00025%; no homozygotes.

Submissions (2):

Ambry Genetics
Classification: Uncertain significance. Last evaluated: 2025-01-10. Review status: criteria provided, single submitter. Criteria: Ambry Variant Classification Scheme 2023. Collection method: clinical testing. Allele origin: germline.

Labcorp Genetics (formerly Invitae), Labcorp
Classification: Uncertain significance. Last evaluated: 2022-10-13. Review status: criteria provided, single submitter. Criteria: Invitae Variant Classification Sherloc (09022015). Collection method: clinical testing. Allele origin: germline.
Comment: This variant is present in population databases (no rsID available, gnomAD 0.0009%). This sequence change replaces alanine, which is neutral and non-polar, with threonine, which is neutral and polar, at codon 93 of the GRXCR2 protein (p.Ala93Thr). This variant has not been reported in the literature in individuals affected with GRXCR2-related conditions. In summary, the available evidence is currently insufficient to determine the role of this variant in disease. Therefore, it has been classified as a Variant of Uncertain Significance. Algorithms developed to predict the effect of missense changes on protein structure and function are either unavailable or do not agree on the potential impact of this missense change (SIFT: "Deleterious"; PolyPhen-2: "Benign"; Align-GVGD: "Class C0"). ClinVar contains an entry for this variant (Variation ID: 1516136).

NM_001080516.2(GRXCR2):c.277G>A (p.Ala93Thr)

Gene: GRXCR2 (glutaredoxin and cysteine rich domain containing 2; minus strand). Cytogenetic location: 5q32.
Variant type: single nucleotide variant.
Coding change: c.277G>A on transcript NM_001080516.2 (MANE Select); coding-DNA position 277, G replaced by A.
Protein change: p.Ala93Thr; replaces alanine 93 with threonine.
Molecular consequence: missense variant.
Genome position (GRCh38, 1-based): chr5:145,872,692, C>T on the plus strand (G>A on the coding strand, the complement: GRXCR2 is on the minus strand). VCF-style: chr5-145872692-C-T. GRCh37 (hg19) VCF-style: chr5-145252255-C-T.
Other names: c.277G>A (NM_001080516.1); short protein forms A93T.
Identifiers: ClinVar variation 1516136 (VCV001516136.7), dbSNP rs756547626, ClinGen allele CA361878097.
Genomic context (GRCh38, chr5:145,872,692, plus strand): 5'-CCTTATGGTCATTCGCCTTGTAATCGTTGAACCGAGGCTGGCCGCCTGCCAAGGTGTAGG[C>T]ATTACCCTCTCTAAACACACTGATCCTCTGAGCAGTCAGCTTAGGGGAGCACATCTGGGG-3'
Protein context (NP_001073985.1, residues 83-103): QRISVFREGN[Ala93Thr]YTLAGGQPRF